The following is an entry in ClinVar:

ClinVar aggregate classification (germline): Conflicting classifications of pathogenicity. Review status: criteria provided, conflicting classifications (1 of 4 stars). 10 submissions from 10 submitters: Uncertain significance (2); Benign (2); Likely benign (5). 1 of the submissions does not count toward it. Last evaluated 2026-01-13.

Conditions:
Classic or attenuated familial adenomatous polyposis. Identifiers: MedGen CN372698, MONDO:0021057.
APC-related disorder. Also called: APC-related condition.
APC-Associated Polyposis Disorders.
Hereditary cancer-predisposing syndrome. Also called: Tumor predisposition; Hereditary neoplastic syndrome; Hereditary Cancer Syndrome; Neoplastic Syndromes, Hereditary. Identifiers: Orphanet 140162, MedGen C0027672, MeSH D009386, MONDO:0015356.
Familial adenomatous polyposis 1 (FAP1). Also called: FAMILIAL ADENOMATOUS POLYPOSIS 1, ATTENUATED; POLYPOSIS, ADENOMATOUS INTESTINAL. Identifiers: MedGen C2713442, MONDO:0021056, OMIM 175100. Disease mechanism: loss of function.

Allele frequency attached by ClinVar (database versions not stated): TOPMed below 0.00001; gnomAD 0.00001; gnomAD exomes 0.00001 and 0.00002; ExAC 0.00003.
gnomAD v4.1: 20 of 1,614,098 alleles (0.0012%); highest among the groups gnomAD compares: Non-Finnish European, 0.0015%; no homozygotes.

Submissions (10):

Labcorp Genetics (formerly Invitae), Labcorp
Classification: Likely benign for Familial adenomatous polyposis 1. Last evaluated: 2026-01-13. Review status: criteria provided, single submitter. Criteria: Invitae Variant Classification Sherloc (09022015). Collection method: clinical testing. Allele origin: germline.

Myriad Genetics, Inc.
Classification: Benign for Familial adenomatous polyposis 1. Last evaluated: 2024-03-15. Review status: criteria provided, single submitter. Criteria: Myriad Autosomal Dominant, Autosomal Recessive and X-Linked Classification Criteria (2023). Collection method: clinical testing. Allele origin: unknown.
Comment: This variant is considered benign. This variant is a silent/synonymous amino acid change and it is not expected to impact splicing.

All of Us Research Program, National Institutes of Health
Classification: Likely benign for Classic or attenuated familial adenomatous polyposis. Last evaluated: 2023-10-02. Review status: criteria provided, single submitter. Criteria: ACMG Guidelines, 2015. Collection method: clinical testing. Allele origin: germline. Inheritance: Autosomal dominant inheritance. Observed: 6 variant alleles, 6 heterozygotes.
Comment: This study involves interpretation of variants in research participants for the purpose of population health screening. Participant phenotype was not available at the time of variant classification. Additional details can be found in publication PMID: 35346344, PMCID: PMC8962531

Quest Diagnostics Nichols Institute San Juan Capistrano
Classification: Likely benign. Last evaluated: 2021-05-13. Review status: criteria provided, single submitter. Criteria: Quest Diagnostics criteria. Collection method: clinical testing. Allele origin: unknown.

CeGaT Center for Human Genetics Tuebingen
Classification: Uncertain significance. Last evaluated: 2017-08-01. Review status: criteria provided, single submitter. Criteria: CeGaT Center For Human Genetics Tuebingen Variant Classification Criteria Version 2. Collection method: clinical testing. Allele origin: germline. Affected: yes. Observed: 1 variant allele.

Illumina Laboratory Services, Illumina
Classification: Uncertain significance for APC-Associated Polyposis Disorders. Last evaluated: 2017-04-28. Review status: criteria provided, single submitter. Criteria: ICSL Variant Classification Criteria 13 December 2019. Collection method: clinical testing. Allele origin: germline.

Color Diagnostics, LLC DBA Color Health
Classification: Likely benign for Hereditary cancer-predisposing syndrome. Last evaluated: 2016-09-15. Review status: criteria provided, single submitter. Criteria: ACMG Guidelines, 2015. Collection method: clinical testing. Allele origin: germline.

Ambry Genetics
Classification: Likely benign for Hereditary cancer-predisposing syndrome. Last evaluated: 2015-09-05. Review status: criteria provided, single submitter. Criteria: Ambry Variant Classification Scheme 2023. Collection method: clinical testing. Allele origin: germline.

GeneDx
Classification: Benign. Last evaluated: 2015-06-18. Review status: criteria provided, single submitter. Criteria: GeneDx Variant Classification Process June 2021. Collection method: clinical testing. Allele origin: germline. Affected: yes.

PreventionGenetics, part of Exact Sciences
Classification: Likely benign for APC-related condition. Last evaluated: 2019-05-13. Review status: no assertion criteria provided. Collection method: clinical testing. Allele origin: germline. Not counted in ClinVar's aggregate classification.
Comment: This variant is classified as likely benign based on ACMG/AMP sequence variant interpretation guidelines (Richards et al. 2015 PMID: 25741868, with internal and published modifications).

NM_000038.6(APC):c.2958T>C (p.Tyr986=)

Gene: APC (APC regulator of Wnt signaling pathway; plus strand). Cytogenetic location: 5q22.2.
Variant type: single nucleotide variant.
Coding change: c.2958T>C on transcript NM_000038.6 (MANE Select); coding-DNA position 2958, T replaced by C.
Protein change: p.Tyr986=; no amino-acid change (tyrosine 986 retained).
Molecular consequence: synonymous variant.
Genome position (GRCh38, 1-based): chr5:112,838,552, T>C. VCF-style: chr5-112838552-T-C. GRCh37 (hg19) VCF-style: chr5-112174249-T-C.
Other names: c.2958T>C, p.Tyr986= (NM_001127510.3, NM_001354895.2); c.2904T>C, p.Tyr968= (NM_001127511.3); c.3012T>C, p.Tyr1004= (NM_001354896.2); c.2988T>C, p.Tyr996= (NM_001354897.2); c.2883T>C, p.Tyr961= (NM_001354898.2); c.2874T>C, p.Tyr958= (NM_001354899.2); c.2835T>C, p.Tyr945= (NM_001354900.2); c.2781T>C, p.Tyr927= (NM_001354901.2); and 5 more.
Identifiers: ClinVar variation 416719 (VCV000416719.69), dbSNP rs746581330, ClinGen allele CA034088.